The following is an entry in ClinVar:

NM_003906.5(MCM3AP):c.230A>G (p.Gln77Arg)

Gene: MCM3AP (minichromosome maintenance complex component 3 associated protein; minus strand). Cytogenetic location: 21q22.3.
Variant type: single nucleotide variant.
Coding change: c.230A>G on transcript NM_003906.5 (MANE Select); coding-DNA position 230, A replaced by G.
Protein change: p.Gln77Arg; replaces glutamine 77 with arginine.
Molecular consequence: missense variant.
Genome position (GRCh38, 1-based): chr21:46,285,057, T>C on the plus strand (A>G on the coding strand, the complement: MCM3AP is on the minus strand). VCF-style: chr21-46285057-T-C. GRCh37 (hg19) VCF-style: chr21-47704971-T-C.
Other names: c.230A>G (NM_003906.3); short protein forms Q77R.
Identifiers: ClinVar variation 1445954 (VCV001445954.4), dbSNP rs375503991, ClinGen allele CA10077388.

ClinVar aggregate classification (germline): Uncertain significance. Review status: criteria provided, multiple submitters, no conflicts (2 of 4 stars). 2 submissions from 2 submitters: Uncertain significance (2). Last evaluated 2023-02-23.

Conditions:
Inborn genetic diseases. Identifiers: MedGen C0950123, MeSH D030342.

Allele frequency attached by ClinVar (database versions not stated): ExAC 0.00003; gnomAD exomes 0.00010 and 0.00013; ESP Exome Variant Server 0.00015; gnomAD 0.00024; TOPMed 0.00026.
gnomAD v4.1: 231 of 1,614,104 alleles (0.014%); highest among the groups gnomAD compares: Admixed American, 0.063%; no homozygotes.

Submissions (2):

Ambry Genetics
Classification: Uncertain significance for Inborn genetic diseases. Last evaluated: 2023-02-23. Review status: criteria provided, single submitter. Criteria: Ambry Variant Classification Scheme 2023. Collection method: clinical testing. Allele origin: germline.

Labcorp Genetics (formerly Invitae), Labcorp
Classification: Uncertain significance. Last evaluated: 2022-08-20. Review status: criteria provided, single submitter. Criteria: Invitae Variant Classification Sherloc (09022015). Collection method: clinical testing. Allele origin: germline.
Comment: This sequence change replaces glutamine, which is neutral and polar, with arginine, which is basic and polar, at codon 77 of the MCM3AP protein (p.Gln77Arg). This variant is present in population databases (rs375503991, gnomAD 0.03%). This variant has not been reported in the literature in individuals affected with MCM3AP-related conditions. ClinVar contains an entry for this variant (Variation ID: 1445954). Algorithms developed to predict the effect of missense changes on protein structure and function are either unavailable or do not agree on the potential impact of this missense change (SIFT: "Tolerated"; PolyPhen-2: "Probably Damaging"; Align-GVGD: "Class C0"). In summary, the available evidence is currently insufficient to determine the role of this variant in disease. Therefore, it has been classified as a Variant of Uncertain Significance.